The following is an entry in ClinVar:

NM_000395.3(CSF2RB):c.2400G>A (p.Pro800=)

Gene: CSF2RB (colony stimulating factor 2 receptor subunit beta; plus strand). Cytogenetic location: 22q12.3.
Variant type: single nucleotide variant.
Coding change: c.2400G>A on transcript NM_000395.3 (MANE Select); coding-DNA position 2400, G replaced by A.
Protein change: p.Pro800=; no amino-acid change (proline 800 retained).
Molecular consequence: synonymous variant.
Genome position (GRCh38, 1-based): chr22:36,938,208, G>A. VCF-style: chr22-36938208-G-A. GRCh37 (hg19) VCF-style: chr22-37334250-G-A.
Identifiers: ClinVar variation 226552 (VCV000226552.17), dbSNP rs1801116, ClinGen allele CA10214112.
Genomic context (GRCh38, chr22:36,938,208, plus strand): 5'-AAGGAACAATCCTGTCCCCCCTGAGGCCAAAAGCCCTGTCCTGAACCCAGGGGAACGCCC[G>A]GCAGATGTGTCCCCAACATCCCCACAGCCCGAGGGCCTCCTTGTCCTGCAGCAAGTGGGC-3'
Protein context (NP_000386.1, residues 790-810): KSPVLNPGER[Pro800=]ADVSPTSPQP

ClinVar aggregate classification (germline): Benign/Likely benign. Review status: criteria provided, multiple submitters, no conflicts (2 of 4 stars). 5 submissions from 5 submitters: Benign (2); Likely benign (3). Last evaluated 2026-02-03.

Allele frequency attached by ClinVar (database versions not stated): 1000 Genomes Project 30x 0.01280; 1000 Genomes Project 0.01378; TOPMed 0.02205; ExAC 0.02259; gnomAD 0.02286 and 0.02350; gnomAD exomes 0.02291 and 0.02853; ESP Exome Variant Server 0.02414.
gnomAD v4.1: 45,063 of 1,614,078 alleles (2.8%); highest among the groups gnomAD compares: Middle Eastern, 5%; 710 homozygotes.

Submissions (5):

Labcorp Genetics (formerly Invitae), Labcorp
Classification: Benign. Last evaluated: 2026-02-03. Review status: criteria provided, single submitter. Criteria: Invitae Variant Classification Sherloc (09022015). Collection method: clinical testing. Allele origin: germline.

Blueprint Genetics
Classification: Likely benign. Last evaluated: 2024-11-28. Review status: criteria provided, single submitter. Criteria: ACMG Guidelines, 2015. Collection method: clinical testing. Allele origin: germline.

GeneDx
Classification: Likely benign. Last evaluated: 2020-05-04. Review status: criteria provided, single submitter. Criteria: GeneDx Variant Classification Process June 2021. Collection method: clinical testing. Allele origin: germline. Affected: yes.

Laboratory for Molecular Medicine, Mass General Brigham Personalized Medicine
Classification: Benign. Last evaluated: 2014-11-24. Review status: criteria provided, single submitter. Criteria: LMM Criteria. Collection method: clinical testing. Allele origin: germline. Observed: 4 variant alleles.
Comment: Pro800Pro in exon 14 of CSF2RB: This variant is not expected to have clinical si gnificance because it does not alter an amino acid residue and is not located wi thin the splice consensus sequence. It has been identified in 2.8% (245/8600) of European American chromosomes from a broad population by the NHLBI Exome Sequen cing Project (dbSNP rs1801116).

Breakthrough Genomics
Classification: Likely benign. Review status: criteria provided, single submitter. Criteria: ACMG Guidelines, 2015. Collection method: not provided. Allele origin: germline. Inheritance: Autosomal recessive inheritance. Affected: yes.